The following is an entry in ClinVar:

ClinVar aggregate classification (germline): Uncertain significance (1 of 4 stars; one submission).

Conditions:
PLXNA1-related disorder. Also called: PLXNA1-related condition.

gnomAD v4.1: 12 of 1,613,004 alleles (0.00074%); highest among the groups gnomAD compares: African/African-American, 0.0027%; no homozygotes.

Submission:

PreventionGenetics, part of Exact Sciences
Classification: Uncertain significance for PLXNA1-related condition. Last evaluated: 2025-03-21. Review status: criteria provided, single submitter. Criteria: ACMG Guidelines, 2015. Collection method: clinical testing. Allele origin: germline.
Comment: The PLXNA1 c.1024G>A variant is predicted to result in the amino acid substitution p.Ala342Thr. To our knowledge, this variant has not been reported in the literature. This variant is reported in 0.0065% of alleles in individuals of European (Non-Finnish) descent in gnomAD. At this time, the clinical significance of this variant is uncertain due to the absence of conclusive functional and genetic evidence.

NM_032242.4(PLXNA1):c.1024G>A (p.Ala342Thr)

Gene: PLXNA1 (plexin A1; plus strand). Cytogenetic location: 3q21.3.
Variant type: single nucleotide variant.
Coding change: c.1024G>A on transcript NM_032242.4 (MANE Select); coding-DNA position 1024, G replaced by A.
Protein change: p.Ala342Thr; replaces alanine 342 with threonine.
Molecular consequence: missense variant.
Genome position (GRCh38, 1-based): chr3:126,989,617, G>A. VCF-style: chr3-126989617-G-A. GRCh37 (hg19) VCF-style: chr3-126708460-G-A.
Other names: short protein forms A342T.
Identifiers: ClinVar variation 3353396 (VCV003353396.2).